The following is an entry in ClinVar:

NM_001283009.2(RTEL1):c.988G>C (p.Asp330His)

Genes: RTEL1 (regulator of telomere elongation helicase 1; plus strand), RTEL1-TNFRSF6B (RTEL1-TNFRSF6B readthrough (NMD candidate); plus strand). Cytogenetic location: 20q13.33.
Variant type: single nucleotide variant.
Coding change: c.988G>C on transcript NM_001283009.2 (MANE Select); coding-DNA position 988, G replaced by C.
Protein change: p.Asp330His; replaces aspartic acid 330 with histidine.
Molecular consequence: missense variant. On other transcripts: non-coding transcript variant (1).
Genome position (GRCh38, 1-based): chr20:63,678,297, G>C. VCF-style: chr20-63678297-G-C. GRCh37 (hg19) VCF-style: chr20-62309650-G-C.
Other names: c.319G>C, p.Asp107His (NM_001283010.1); c.988G>C, p.Asp330His (NM_016434.4); c.1060G>C, p.Asp354His (NM_032957.5); short protein forms D107H, D330H, D354H.
Identifiers: ClinVar variation 3948309 (VCV003948309.1).

ClinVar aggregate classification (germline): Uncertain significance (1 of 4 stars; one submission).

Conditions:
Inborn genetic diseases. Identifiers: MedGen C0950123, MeSH D030342.

gnomAD v4.1: 2 of 1,612,806 alleles (0.00012%); highest among the groups gnomAD compares: East Asian, 0.0045%; no homozygotes.

Submission:

Ambry Genetics
Classification: Uncertain significance for Inborn genetic diseases. Last evaluated: 2025-04-06. Review status: criteria provided, single submitter. Criteria: Ambry Variant Classification Scheme 2023. Collection method: clinical testing. Allele origin: germline.
Comment: The p.D330H variant (also known as c.988G>C), located in coding exon 11 of the RTEL1 gene, results from a G to C substitution at nucleotide position 988. The aspartic acid at codon 330 is replaced by histidine, an amino acid with similar properties. This amino acid position is conserved. In addition, the in silico prediction for this alteration is inconclusive. Based on the available evidence, the clinical significance of this variant remains unclear.